The following is an entry in ClinVar:

NM_005859.5(PURA):c.470T>A (p.Met157Lys)

Gene: PURA (purine rich element binding protein A; plus strand). Cytogenetic location: 5q31.3.
Variant type: single nucleotide variant.
Coding change: c.470T>A on transcript NM_005859.5 (MANE Select); coding-DNA position 470, T replaced by A.
Protein change: p.Met157Lys; replaces methionine 157 with lysine.
Molecular consequence: missense variant.
Genome position (GRCh38, 1-based): chr5:140,114,651, T>A. VCF-style: chr5-140114651-T-A. GRCh37 (hg19) VCF-style: chr5-139494236-T-A.
Other names: short protein forms M157K.
Identifiers: ClinVar variation 156410 (VCV000156410.1), dbSNP rs587782998, ClinGen allele CA249900.

ClinVar aggregate classification (germline): Pathogenic (0 of 4 stars; one submission).

Conditions:
Global developmental delay (DD). Also called: Cognitive delay. Identifiers: MedGen C0557874, HP:0001263. Disease mechanism: loss of function.
Delayed speech and language development. Also called: Language delay. Identifiers: MedGen C0454644, HP:0000750.
Neonatal hypotonia. Identifiers: MedGen C2267233, HP:0001319.
Intellectual disability. Also called: Intellectual developmental disorder; Intellectual functioning disability; intellectual disabilities. Identifiers: MedGen C3714756, MeSH D008607, MONDO:0001071, HP:0001249.

Submission:

Whole genome laboratory; Baylor College of Medicine
Classification: Pathogenic for Neonatal hypotonia; Delayed speech and language development; Intellectual disability; Global developmental delay. Last evaluated: 2014-09-15. Review status: no assertion criteria provided. Collection method: clinical testing. Allele origin: germline. Affected: yes. Observed: 1 variant allele. Study: Clinical exome sequencing test.
Comment: Sporadic neonatal hypotonia, developmental delay, speech impairment, sleep apnea, and intellectual disability